The following is an entry in ClinVar:

NM_138383.3(MTSS2):c.466+15G>A

Gene: MTSS2 (MTSS I-BAR domain containing 2; minus strand). Cytogenetic location: 16q22.1.
Variant type: single nucleotide variant.
Coding change: c.466+15G>A on transcript NM_138383.3 (MANE Select); 15 bases into the intron after coding-DNA position 466, G replaced by A.
Molecular consequence: intron variant.
Genome position (GRCh38, 1-based): chr16:70,679,300, C>T on the plus strand (G>A on the coding strand, the complement: MTSS2 is on the minus strand). VCF-style: chr16-70679300-C-T. GRCh37 (hg19) VCF-style: chr16-70713203-C-T.
Identifiers: ClinVar variation 4688192 (VCV004688192.1).

ClinVar aggregate classification (germline): Likely benign (1 of 4 stars; one submission).

gnomAD v4.1: 2 of 1,613,694 alleles (0.00012%); highest among the groups gnomAD compares: African/African-American, 0.0013%; no homozygotes.

Submission:

Women's Health and Genetics/Laboratory Corporation of America, LabCorp
Classification: Likely benign. Last evaluated: 2025-12-19. Review status: criteria provided, single submitter. Criteria: LabCorp Variant Classification Summary - May 2015. Collection method: clinical testing. Allele origin: germline.
Comment: Variant summary: MTSS2 c.466+15G>A alters a conserved nucleotide located at a position not widely known to affect splicing. Consensus agreement among computation tools predict no significant impact on normal splicing. However, these predictions have yet to be confirmed by functional studies. The variant allele was found at a frequency of 4e-06 in 250982 control chromosomes. The available data on variant occurrences in the general population are insufficient to allow any conclusion about variant significance. To our knowledge, no occurrence of c.466+15G>A in individuals affected with MTSS2-related conditions and no experimental evidence demonstrating its impact on protein function have been reported. No submitters have cited clinical-significance assessments for this variant to ClinVar. Based on the evidence outlined above, the variant was classified as likely benign.